The following is an entry in ClinVar:

ClinVar aggregate classification (germline): Conflicting classifications of pathogenicity. Review status: criteria provided, conflicting classifications (1 of 4 stars). 2 submissions from 2 submitters: Uncertain significance (1); Likely benign (1). Last evaluated 2025-01-06.

Conditions:
Autosomal recessive limb-girdle muscular dystrophy type R18 (LGMDR18). Also called: MUSCULAR DYSTROPHY, LIMB-GIRDLE, AUTOSOMAL RECESSIVE 18; Autosomal recessive limb-girdle muscular dystrophy type 2S; Limb-girdle muscular dystrophy, type 2S. Identifiers: Orphanet 369840, MedGen C4517996, MONDO:0014144, OMIM 615356.
Inborn genetic diseases. Identifiers: MedGen C0950123, MeSH D030342.

Allele frequency attached by ClinVar (database versions not stated): gnomAD 0.00001; TOPMed 0.00001.
gnomAD v4.1: 12 of 1,613,818 alleles (0.00074%); highest among the groups gnomAD compares: South Asian, 0.0044%; no homozygotes.

Submissions (2):

Labcorp Genetics (formerly Invitae), Labcorp
Classification: Uncertain significance for Autosomal recessive limb-girdle muscular dystrophy type R18. Last evaluated: 2025-01-06. Review status: criteria provided, single submitter. Criteria: Invitae Variant Classification Sherloc (09022015). Collection method: clinical testing. Allele origin: germline.
Comment: This sequence change replaces isoleucine, which is neutral and non-polar, with valine, which is neutral and non-polar, at codon 927 of the TRAPPC11 protein (p.Ile927Val). This variant is present in population databases (no rsID available, gnomAD 0.006%). This variant has not been reported in the literature in individuals affected with TRAPPC11-related conditions. ClinVar contains an entry for this variant (Variation ID: 2467881). Invitae Evidence Modeling of protein sequence and biophysical properties (such as structural, functional, and spatial information, amino acid conservation, physicochemical variation, residue mobility, and thermodynamic stability) indicates that this missense variant is not expected to disrupt TRAPPC11 protein function with a negative predictive value of 80%. In summary, the available evidence is currently insufficient to determine the role of this variant in disease. Therefore, it has been classified as a Variant of Uncertain Significance.

Ambry Genetics
Classification: Likely benign for Inborn genetic diseases. Last evaluated: 2023-03-02. Review status: criteria provided, single submitter. Criteria: Ambry Variant Classification Scheme 2023. Collection method: clinical testing. Allele origin: germline.

NM_021942.6(TRAPPC11):c.2779A>G (p.Ile927Val)

Gene: TRAPPC11 (trafficking protein particle complex subunit 11; plus strand). Cytogenetic location: 4q35.1.
Variant type: single nucleotide variant.
Coding change: c.2779A>G on transcript NM_021942.6 (MANE Select); coding-DNA position 2779, A replaced by G.
Protein change: p.Ile927Val; replaces isoleucine 927 with valine.
Molecular consequence: missense variant.
Genome position (GRCh38, 1-based): chr4:183,697,763, A>G. VCF-style: chr4-183697763-A-G. GRCh37 (hg19) VCF-style: chr4-184618916-A-G.
Other names: c.2779A>G, p.Ile927Val (NM_199053.3); short protein forms I927V.
Identifiers: ClinVar variation 2467881 (VCV002467881.4), dbSNP rs896056101, ClinGen allele CA111861591.